The following is an entry in ClinVar:

NM_000718.4(CACNA1B):c.390+1_390+2insACGACACGGAGCCCTATTTCATCGGGATCTTTTGCTTCGAGGCAGGGATCAAAATCATCGCTC

Genes: CACNA1B (calcium voltage-gated channel subunit alpha1 B; plus strand), CACNA1B-AS2 (CACNA1B antisense RNA 2; minus strand). Cytogenetic location: 9q34.3.
Variant type: Insertion.
Coding change: c.390+1_390+2insACGACACGGAGCCCTATTTCATCGGGATCTTTTGCTTCGAGGCAGGGATCAAAATCATCGCTC on transcript NM_000718.4 (MANE Select); the canonical splice donor site of the intron after coding-DNA position 390, ACGACACGGAGCCCTATTTCATCGGGATCTTTTGCTTCGAGGCAGGGATCAAAATCATCGCTC inserted.
Molecular consequence: splice donor variant.
Genome position: GRCh38: chr9:137,879,160-137,879,161. GRCh37 (hg19): chr9:140,773,612-140,773,613.
Other names: c.390+1_390+2insACGACACGGAGCCCTATTTCATCGGGATCTTTTGCTTCGAGGCAGGGATCAAAATCATCGCTC (NM_001243812.2).
Identifiers: ClinVar variation 2043651 (VCV002043651.1), dbSNP rs370237172, ClinGen allele CA591258999.

ClinVar aggregate classification (germline): Uncertain significance (1 of 4 stars; one submission).

Submission:

Labcorp Genetics (formerly Invitae), Labcorp
Classification: Uncertain significance. Last evaluated: 2022-06-28. Review status: criteria provided, single submitter. Criteria: Invitae Variant Classification Sherloc (09022015). Collection method: clinical testing. Allele origin: germline.
Comment: This sequence change falls in intron 2 of the CACNA1B gene. It does not directly change the encoded amino acid sequence of the CACNA1B protein. It affects a nucleotide within the consensus splice site. The frequency data for this variant in the population databases is considered unreliable, as metrics indicate poor data quality at this position in the gnomAD database. This variant has not been reported in the literature in individuals affected with CACNA1B-related conditions. Variants that disrupt the consensus splice site are a relatively common cause of aberrant splicing (PMID: 17576681, 9536098). Algorithms developed to predict the effect of sequence changes on RNA splicing suggest that this variant may disrupt the consensus splice site. In summary, the available evidence is currently insufficient to determine the role of this variant in disease. Therefore, it has been classified as a Variant of Uncertain Significance.

Literature cited by the submitters: PubMed 17576681; PubMed 9536098.